The following is an entry in ClinVar:

NM_138773.4(SLC25A46):c.678+72A>G

Gene: SLC25A46 (solute carrier family 25 member 46; plus strand). Cytogenetic location: 5q22.1.
Variant type: single nucleotide variant.
Coding change: c.678+72A>G on transcript NM_138773.4 (MANE Select); 72 bases into the intron after coding-DNA position 678, A replaced by G.
Molecular consequence: intron variant.
Genome position (GRCh38, 1-based): chr5:110,756,831, A>G. VCF-style: chr5-110756831-A-G. GRCh37 (hg19) VCF-style: chr5-110092531-A-G.
Other names: c.405+72A>G (NM_001303250.3); c.678+72A>G (NM_001303249.3).
Identifiers: ClinVar variation 671104 (VCV000671104.1), dbSNP rs3214016, ClinGen allele CA15367701.
Genomic context (GRCh38, chr5:110,756,831, plus strand): 5'-TTTACTGTCATTTTTTTTTTATTTAAGAATAGTTTTTTGACTATTCAGTATATTGTAGAT[A>G]TCTAACATTTCAGCAGAAAATTTTAAGACTATGTCTTAAAATATTTATTTTATAAATATC-3'

ClinVar aggregate classification (germline): Benign (1 of 4 stars; one submission).

Allele frequency attached by ClinVar (database versions not stated): gnomAD exomes 0.07609; ESP Exome Variant Server 0.08889; TOPMed 0.09020; gnomAD 0.09598 and 0.09995; 1000 Genomes Project 30x 0.13976; 1000 Genomes Project 0.14197.
gnomAD v4.1: 81,787 of 1,023,750 alleles (8%); highest among the groups gnomAD compares: South Asian, 19%; 4,120 homozygotes.

Submission:

GeneDx
Classification: Benign. Last evaluated: 2018-06-14. Review status: criteria provided, single submitter. Criteria: GeneDx Variant Classification (06012015). Collection method: clinical testing. Allele origin: germline. Affected: yes.
Comment: This variant is considered likely benign or benign based on one or more of the following criteria: it is a conservative change, it occurs at a poorly conserved position in the protein, it is predicted to be benign by multiple in silico algorithms, and/or has population frequency not consistent with disease.